The following is an entry in ClinVar:

NM_001172509.2(SATB2):c.1852C>T (p.Arg618Cys)

Genes: SATB2 (SATB homeobox 2; minus strand), LOC126806462 (MED14-independent group 3 enhancer GRCh37_chr2:200136608-200137807; plus strand). Cytogenetic location: 2q33.1.
Variant type: single nucleotide variant.
Coding change: c.1852C>T on transcript NM_001172509.2 (MANE Select); coding-DNA position 1852, C replaced by T.
Protein change: p.Arg618Cys; replaces arginine 618 with cysteine.
Molecular consequence: missense variant.
Genome position (GRCh38, 1-based): chr2:199,272,561, G>A on the plus strand (C>T on the coding strand, the complement: SATB2 is on the minus strand). VCF-style: chr2-199272561-G-A. GRCh37 (hg19) VCF-style: chr2-200137284-G-A.
Other names: c.1852C>T, p.Arg618Cys (NM_001172517.1, NM_015265.4); short protein forms R618C.
Identifiers: ClinVar variation 1352856 (VCV001352856.9), dbSNP rs2105707260, ClinGen allele CA350385863.
Genomic context (GRCh38, chr2:199,272,561, plus strand): 5'-GGCCTACATCATGAATAAAGCTTTGGAGGATCCCCAGGGCTTCTAAGGAGATCTTTGTGC[G>A]AGACCGGGGCTTTTTGGCACAACTGTCTTCAGTCGGAGGAGGTGGGGGAGGCGCTTCTTC-3'
Protein context (NP_001165980.1, residues 608-628): EDSCAKKPRS[Arg618Cys]TKISLEALGI

ClinVar aggregate classification (germline): Uncertain significance. Review status: criteria provided, multiple submitters, no conflicts (2 of 4 stars). 2 submissions from 2 submitters: Uncertain significance (2). Last evaluated 2024-01-22.

Conditions:
Chromosome 2q32-q33 deletion syndrome (GLASS). Also called: Glass syndrome; 2q33.1 deletion syndrome. Identifiers: Orphanet 251019, MedGen C2676739, MONDO:0012864, OMIM 612313.

Submissions (2):

Labcorp Genetics (formerly Invitae), Labcorp
Classification: Uncertain significance for Chromosome 2q32-q33 deletion syndrome. Last evaluated: 2024-01-22. Review status: criteria provided, single submitter. Criteria: Invitae Variant Classification Sherloc (09022015). Collection method: clinical testing. Allele origin: germline.
Comment: This sequence change replaces arginine, which is basic and polar, with cysteine, which is neutral and slightly polar, at codon 618 of the SATB2 protein (p.Arg618Cys). This variant is not present in population databases (gnomAD no frequency). This variant has not been reported in the literature in individuals affected with SATB2-related conditions. ClinVar contains an entry for this variant (Variation ID: 1352856). Advanced modeling performed at Invitae incorporating data from internal and/or published experimental studies (Invitae) indicates that this missense variant is not expected to disrupt SATB2 function with a negative predictive value of 95%. In summary, the available evidence is currently insufficient to determine the role of this variant in disease. Therefore, it has been classified as a Variant of Uncertain Significance.

Fulgent Genetics
Classification: Uncertain significance for Chromosome 2q32-q33 deletion syndrome. Last evaluated: 2022-04-12. Review status: criteria provided, single submitter. Criteria: ACMG Guidelines, 2015. Collection method: clinical testing. Allele origin: unknown.